The following is an entry in ClinVar:

ClinVar aggregate classification (germline): Conflicting classifications of pathogenicity. Review status: criteria provided, conflicting classifications (1 of 4 stars). 5 submissions from 5 submitters: Uncertain significance (3); Likely benign (2). Last evaluated 2025-05-06.

Conditions:
PRX-related disorder. Also called: PRX-Related Disorders; PRX-related condition.
Inborn genetic diseases. Identifiers: MedGen C0950123, MeSH D030342.
Charcot-Marie-Tooth disease type 4. Also called: Charcot-Marie-Tooth disease, type IV; Charcot-Marie-Tooth, Type 4. Identifiers: Orphanet 64749, MedGen C4082197, MONDO:0018995.
Charcot-Marie-Tooth disease type 4F. Also called: Charcot-Marie-Tooth disease, demyelinating, type 4F. Identifiers: Orphanet 99952, MedGen C3540453, MONDO:0013959, OMIM 614895.

Allele frequency attached by ClinVar (database versions not stated): ESP Exome Variant Server 0.00038; gnomAD 0.00052 and 0.00054; TOPMed 0.00062; 1000 Genomes Project 0.00120; 1000 Genomes Project 30x 0.00125.

Submissions (5):

PreventionGenetics, part of Exact Sciences
Classification: Likely benign for PRX-related condition. Last evaluated: 2025-05-06. Review status: criteria provided, single submitter. Criteria: ACMG Guidelines, 2015. Collection method: clinical testing. Allele origin: germline.
Comment: This variant is classified as likely benign based on ACMG/AMP sequence variant interpretation guidelines (Richards et al. 2015 PMID: 25741868, with internal and published modifications).

Labcorp Genetics (formerly Invitae), Labcorp
Classification: Uncertain significance for Charcot-Marie-Tooth disease type 4. Last evaluated: 2024-10-21. Review status: criteria provided, single submitter. Criteria: Invitae Variant Classification Sherloc (09022015). Collection method: clinical testing. Allele origin: germline.
Comment: This sequence change replaces alanine, which is neutral and non-polar, with threonine, which is neutral and polar, at codon 910 of the PRX protein (p.Ala910Thr). This variant is present in population databases (rs145203783, gnomAD 0.2%). This variant has not been reported in the literature in individuals affected with PRX-related conditions. ClinVar contains an entry for this variant (Variation ID: 410602). Invitae Evidence Modeling of protein sequence and biophysical properties (such as structural, functional, and spatial information, amino acid conservation, physicochemical variation, residue mobility, and thermodynamic stability) indicates that this missense variant is not expected to disrupt PRX protein function with a negative predictive value of 80%. In summary, the available evidence is currently insufficient to determine the role of this variant in disease. Therefore, it has been classified as a Variant of Uncertain Significance.

Ambry Genetics
Classification: Likely benign for Inborn genetic diseases. Last evaluated: 2021-08-09. Review status: criteria provided, single submitter. Criteria: Ambry Variant Classification Scheme 2023. Collection method: clinical testing. Allele origin: germline.

Illumina Laboratory Services, Illumina
Classification: Uncertain significance for Charcot-Marie-Tooth disease type 4F. Last evaluated: 2018-01-12. Review status: criteria provided, single submitter. Criteria: ICSL Variant Classification Criteria 13 December 2019. Collection method: clinical testing. Allele origin: germline.

Breakthrough Genomics
Classification: Uncertain significance. Review status: criteria provided, single submitter. Criteria: ACMG Guidelines, 2015. Collection method: not provided. Allele origin: germline. Inheritance: Autosomal dominant inheritance. Affected: yes.

NM_181882.3(PRX):c.2728G>A (p.Ala910Thr)

Gene: PRX (periaxin; minus strand). Cytogenetic location: 19q13.2.
Variant type: single nucleotide variant.
Coding change: c.2728G>A on transcript NM_181882.3 (MANE Select); coding-DNA position 2728, G replaced by A.
Protein change: p.Ala910Thr; replaces alanine 910 with threonine.
Molecular consequence: missense variant. On other transcripts: 3 prime UTR variant (1).
Genome position (GRCh38, 1-based): chr19:40,395,624, C>T on the plus strand (G>A on the coding strand, the complement: PRX is on the minus strand). VCF-style: chr19-40395624-C-T. GRCh37 (hg19) VCF-style: chr19-40901531-C-T.
Other names: c.*2933G>A (NM_020956.2); short protein forms A910T.
Identifiers: ClinVar variation 410602 (VCV000410602.16), dbSNP rs145203783, ClinGen allele CA9443992.